The following is an entry in ClinVar:

NM_000760.4(CSF3R):c.1427C>G (p.Thr476Ser)

Gene: CSF3R (colony stimulating factor 3 receptor; minus strand). Cytogenetic location: 1p34.3.
Variant type: single nucleotide variant.
Coding change: c.1427C>G on transcript NM_000760.4 (MANE Select); coding-DNA position 1427, C replaced by G.
Protein change: p.Thr476Ser; replaces threonine 476 with serine.
Molecular consequence: missense variant.
Genome position (GRCh38, 1-based): chr1:36,469,699, G>C on the plus strand (C>G on the coding strand, the complement: CSF3R is on the minus strand). VCF-style: chr1-36469699-G-C. GRCh37 (hg19) VCF-style: chr1-36935300-G-C.
Other names: c.1427C>G, p.Thr476Ser (NM_156039.3, NM_172313.3); short protein forms T476S.
Identifiers: ClinVar variation 1387211 (VCV001387211.8), dbSNP rs374610386, ClinGen allele CA769193.

ClinVar aggregate classification (germline): Uncertain significance (1 of 4 stars; one submission).

Conditions:
Autosomal recessive severe congenital neutropenia due to CSF3R deficiency. Also called: Neutropenia, severe congenital, 7, autosomal recessive. Identifiers: Orphanet 420702, MedGen C4310764, MONDO:0014865, OMIM 617014.

Allele frequency attached by ClinVar (database versions not stated): gnomAD 0.00003 and 0.00004; gnomAD exomes 0.00005 and 0.00007; ExAC 0.00006; TOPMed 0.00006; ESP Exome Variant Server 0.00008.
gnomAD v4.1: 111 of 1,614,046 alleles (0.0069%); highest among the groups gnomAD compares: Admixed American, 0.027%; no homozygotes.

Submission:

Labcorp Genetics (formerly Invitae), Labcorp
Classification: Uncertain significance for Autosomal recessive severe congenital neutropenia due to CSF3R deficiency. Last evaluated: 2025-12-13. Review status: criteria provided, single submitter. Criteria: Invitae Variant Classification Sherloc (09022015). Collection method: clinical testing. Allele origin: germline.
Comment: This sequence change replaces threonine, which is neutral and polar, with serine, which is neutral and polar, at codon 476 of the CSF3R protein (p.Thr476Ser). This variant is present in population databases (rs374610386, gnomAD 0.02%). This variant has not been reported in the literature in individuals affected with CSF3R-related conditions. ClinVar contains an entry for this variant (Variation ID: 1387211). Invitae Evidence Modeling of protein sequence and biophysical properties (such as structural, functional, and spatial information, amino acid conservation, physicochemical variation, residue mobility, and thermodynamic stability) indicates that this missense variant is not expected to disrupt CSF3R protein function with a negative predictive value of 80%. In summary, the available evidence is currently insufficient to determine the role of this variant in disease. Therefore, it has been classified as a Variant of Uncertain Significance.